The following is an entry in ClinVar:

ClinVar aggregate classification (germline): Uncertain significance. Review status: criteria provided, multiple submitters, no conflicts (2 of 4 stars). 2 submissions from 2 submitters: Uncertain significance (2). Last evaluated 2025-01-18.

Conditions:
Inborn genetic diseases. Identifiers: MedGen C0950123, MeSH D030342.

Submissions (2):

Ambry Genetics
Classification: Uncertain significance for Inborn genetic diseases. Last evaluated: 2025-01-18. Review status: criteria provided, single submitter. Criteria: Ambry Variant Classification Scheme 2023. Collection method: clinical testing. Allele origin: germline.

Labcorp Genetics (formerly Invitae), Labcorp
Classification: Uncertain significance. Last evaluated: 2023-06-23. Review status: criteria provided, single submitter. Criteria: Invitae Variant Classification Sherloc (09022015). Collection method: clinical testing. Allele origin: germline.
Comment: This variant has not been reported in the literature in individuals affected with GRIN2D-related conditions. This sequence change replaces glycine, which is neutral and non-polar, with cysteine, which is neutral and slightly polar, at codon 956 of the GRIN2D protein (p.Gly956Cys). The frequency data for this variant in the population databases is considered unreliable, as metrics indicate insufficient coverage at this position in the gnomAD database. ClinVar contains an entry for this variant (Variation ID: 2132643). Advanced modeling of protein sequence and biophysical properties (such as structural, functional, and spatial information, amino acid conservation, physicochemical variation, residue mobility, and thermodynamic stability) performed at Invitae indicates that this missense variant is not expected to disrupt GRIN2D protein function. In summary, the available evidence is currently insufficient to determine the role of this variant in disease. Therefore, it has been classified as a Variant of Uncertain Significance.

NM_000836.4(GRIN2D):c.2866G>T (p.Gly956Cys)

Gene: GRIN2D (glutamate ionotropic receptor NMDA type subunit 2D; plus strand). Cytogenetic location: 19q13.33.
Variant type: single nucleotide variant.
Coding change: c.2866G>T on transcript NM_000836.4 (MANE Select); coding-DNA position 2866, G replaced by T.
Protein change: p.Gly956Cys; replaces glycine 956 with cysteine.
Molecular consequence: missense variant.
Genome position (GRCh38, 1-based): chr19:48,442,792, G>T. VCF-style: chr19-48442792-G-T. GRCh37 (hg19) VCF-style: chr19-48946049-G-T.
Other names: c.2866G>T (NM_000836.2); short protein forms G956C.
Identifiers: ClinVar variation 2132643 (VCV002132643.5), dbSNP rs2513691989, ClinGen allele CA406674036.